The following is an entry in ClinVar:

ClinVar aggregate classification (germline): Likely benign. Review status: criteria provided, multiple submitters, no conflicts (2 of 4 stars). 2 submissions from 2 submitters: Likely benign (2). Last evaluated 2026-02-23.

Allele frequency attached by ClinVar (database versions not stated): 1000 Genomes Project 0.00020; 1000 Genomes Project 30x 0.00031; gnomAD 0.00100; ExAC 0.00101; TOPMed 0.00112; gnomAD exomes 0.00143; ESP Exome Variant Server 0.00154.
gnomAD v4.1: 2,241 of 1,614,098 alleles (0.14%); highest among the groups gnomAD compares: Non-Finnish European, 0.18%; 6 homozygotes.

Submissions (2):

Women's Health and Genetics/Laboratory Corporation of America, LabCorp
Classification: Likely benign. Last evaluated: 2026-02-23. Review status: criteria provided, single submitter. Criteria: LabCorp Variant Classification Summary - May 2015. Collection method: clinical testing. Allele origin: germline.
Comment: Variant summary: DGAT2 c.952G>A (p.Gly318Ser) results in a non-conservative amino acid change in the encoded protein sequence. Algorithms developed to predict the effect of missense changes on protein structure and function are either unavailable or do not agree on the potential impact of this missense change. The variant allele was found at a frequency of 0.00088 in 251296 control chromosomes, predominantly at a frequency of 0.0018 within the Non-Finnish European subpopulation in the gnomAD database. The observed variant frequency within Non-Finnish European control individuals in the gnomAD database exceeds the estimated maximal expected allele frequency for disease-causing variants in DGAT2. To our knowledge, no occurrence of c.952G>A in individuals affected with DGAT2-related conditions and no experimental evidence demonstrating its impact on protein function have been reported. ClinVar contains an entry for this variant (Variation ID: 2642164). Based on the evidence outlined above, the variant was classified as likely benign.

CeGaT Center for Human Genetics Tuebingen
Classification: Likely benign. Last evaluated: 2024-05-01. Review status: criteria provided, single submitter. Criteria: CeGaT Center For Human Genetics Tuebingen Variant Classification Criteria Version 2. Collection method: clinical testing. Allele origin: germline. Affected: yes. Observed: 2 variant alleles.
Comment: DGAT2: BS1

NM_032564.5(DGAT2):c.952G>A (p.Gly318Ser)

Gene: DGAT2 (diacylglycerol O-acyltransferase 2; plus strand). Cytogenetic location: 11q13.5.
Variant type: single nucleotide variant.
Coding change: c.952G>A on transcript NM_032564.5 (MANE Select); coding-DNA position 952, G replaced by A.
Protein change: p.Gly318Ser; replaces glycine 318 with serine.
Molecular consequence: missense variant.
Genome position (GRCh38, 1-based): chr11:75,798,369, G>A. VCF-style: chr11-75798369-G-A. GRCh37 (hg19) VCF-style: chr11-75509414-G-A.
Other names: c.823G>A, p.Gly275Ser (NM_001253891.2); short protein forms G275S, G318S.
Identifiers: ClinVar variation 2642164 (VCV002642164.25), dbSNP rs145750206, ClinGen allele CA6192171.
Genomic context (GRCh38, chr11:75,798,369, plus strand): 5'-TGGGTCCAGAAGAAGTTCCAGAAATACATTGGTTTCGCCCCATGCATCTTCCATGGTCGA[G>A]GCCTCTTCTCCTCCGACACCTGGGGGCTGGTGCCCTACTCCAAGCCCATCACCACTGTTG-3'
Protein context (NP_115953.2, residues 308-328): GFAPCIFHGR[Gly318Ser]LFSSDTWGLV